The following is an entry in ClinVar:

NM_001001331.4(ATP2B2):c.3049C>T (p.His1017Tyr)

Gene: ATP2B2 (ATPase plasma membrane Ca2+ transporting 2; minus strand). Cytogenetic location: 3p25.3.
Variant type: single nucleotide variant.
Coding change: c.3049C>T on transcript NM_001001331.4 (MANE Select); coding-DNA position 3049, C replaced by T.
Protein change: p.His1017Tyr; replaces histidine 1017 with tyrosine.
Molecular consequence: missense variant.
Genome position (GRCh38, 1-based): chr3:10,340,573, G>A on the plus strand (C>T on the coding strand, the complement: ATP2B2 is on the minus strand). VCF-style: chr3-10340573-G-A. GRCh37 (hg19) VCF-style: chr3-10382257-G-A.
Other names: c.2914C>T, p.His972Tyr (NM_001330611.3, NM_001353564.1, NM_001363862.1 and 2 more transcripts); c.2956C>T, p.His986Tyr (NM_001438646.1); short protein forms H986Y, H1017Y, H972Y.
Identifiers: ClinVar variation 4696501 (VCV004696501.1).

ClinVar aggregate classification (germline): Uncertain significance (1 of 4 stars; one submission).

gnomAD v4.1: 4 of 1,614,122 alleles (0.00025%); highest among the groups gnomAD compares: African/African-American, 0.0027%; no homozygotes.

Submission:

Labcorp Genetics (formerly Invitae), Labcorp
Classification: Uncertain significance. Last evaluated: 2025-04-10. Review status: criteria provided, single submitter. Criteria: Invitae Variant Classification Sherloc (09022015). Collection method: clinical testing. Allele origin: germline.
Comment: This sequence change replaces histidine, which is basic and polar, with tyrosine, which is neutral and polar, at codon 972 of the ATP2B2 protein (p.His972Tyr). This variant is not present in population databases (gnomAD no frequency). This variant has not been reported in the literature in individuals affected with ATP2B2-related conditions. Invitae Evidence Modeling of protein sequence and biophysical properties (such as structural, functional, and spatial information, amino acid conservation, physicochemical variation, residue mobility, and thermodynamic stability) has been performed for this missense variant. However, the output from this modeling did not meet the statistical confidence thresholds required to predict the impact of this variant on ATP2B2 protein function. In summary, the available evidence is currently insufficient to determine the role of this variant in disease. Therefore, it has been classified as a Variant of Uncertain Significance.